The following is an entry in ClinVar:

NM_024753.5(TTC21B):c.237T>C (p.Tyr79=)

Gene: TTC21B (tetratricopeptide repeat domain 21B; minus strand). Cytogenetic location: 2q24.3.
Variant type: single nucleotide variant.
Coding change: c.237T>C on transcript NM_024753.5 (MANE Select); coding-DNA position 237, T replaced by C.
Protein change: p.Tyr79=; no amino-acid change (tyrosine 79 retained).
Molecular consequence: synonymous variant.
Genome position (GRCh38, 1-based): chr2:165,949,419, A>G on the plus strand (T>C on the coding strand, the complement: TTC21B is on the minus strand). VCF-style: chr2-165949419-A-G. GRCh37 (hg19) VCF-style: chr2-166805929-A-G.
Identifiers: ClinVar variation 5000428 (VCV005000428.1).

ClinVar aggregate classification (germline): Likely benign (1 of 4 stars; one submission).

Conditions:
TTC21B-related disorder. Also called: TTC21B-related disorders; TTC21B-related condition.

Submission:

PreventionGenetics, part of Exact Sciences
Classification: Likely benign for TTC21B-related condition. Last evaluated: 2024-10-08. Review status: criteria provided, single submitter. Criteria: ACMG Guidelines, 2015. Collection method: clinical testing. Allele origin: germline.
Comment: This variant is classified as likely benign based on ACMG/AMP sequence variant interpretation guidelines (Richards et al. 2015 PMID: 25741868, with internal and published modifications).